The following is an entry in ClinVar:

ClinVar aggregate classification (germline): Uncertain significance (1 of 4 stars; one submission).

Conditions:
Early-onset Parkinson disease 20. Also called: PARKINSON DISEASE 20, AUTOSOMAL RECESSIVE EARLY-ONSET. Identifiers: Orphanet 391411, MedGen C3809824, MONDO:0014233, OMIM 615530.
Developmental and epileptic encephalopathy, 53. Also called: Epileptic encephalopathy, early infantile, 53. Identifiers: MedGen C4479313, MONDO:0033362, OMIM 617389.

Submission:

Labcorp Genetics (formerly Invitae), Labcorp
Classification: Uncertain significance for Developmental and epileptic encephalopathy, 53; Early-onset Parkinson disease 20. Last evaluated: 2022-08-22. Review status: criteria provided, single submitter. Criteria: Invitae Variant Classification Sherloc (09022015). Collection method: clinical testing. Allele origin: germline.
Comment: In summary, the available evidence is currently insufficient to determine the role of this variant in disease. Therefore, it has been classified as a Variant of Uncertain Significance. Algorithms developed to predict the effect of sequence changes on RNA splicing suggest that this variant may create or strengthen a splice site. Algorithms developed to predict the effect of missense changes on protein structure and function are either unavailable or do not agree on the potential impact of this missense change (SIFT: "Deleterious"; PolyPhen-2: "Benign"; Align-GVGD: "Class C0"). ClinVar contains an entry for this variant (Variation ID: 952376). This variant has not been reported in the literature in individuals affected with SYNJ1-related conditions. This variant is not present in population databases (gnomAD no frequency). This sequence change replaces glycine, which is neutral and non-polar, with valine, which is neutral and non-polar, at codon 10 of the SYNJ1 protein (p.Gly10Val).

NM_203446.3(SYNJ1):c.-89G>T

Gene: SYNJ1 (synaptojanin 1; minus strand). Cytogenetic location: 21q22.11.
Variant type: single nucleotide variant.
Coding change: c.-89G>T on transcript NM_203446.3 (MANE Select); 89 bases upstream of the start codon, G replaced by T.
Molecular consequence: 5 prime UTR variant. On other transcripts: missense variant (1).
Genome position (GRCh38, 1-based): chr21:32,728,012, C>A on the plus strand (G>T on the coding strand, the complement: SYNJ1 is on the minus strand). VCF-style: chr21-32728012-C-A. GRCh37 (hg19) VCF-style: chr21-34100323-C-A.
Other names: c.29G>T, p.Gly10Val (NM_003895.4); short protein forms G10V.
Identifiers: ClinVar variation 952376 (VCV000952376.10), dbSNP rs1339841336, ClinGen allele CA410078859.